The following is an entry in ClinVar:

NM_001256545.2(MEGF10):c.2911G>T (p.Gly971Cys)

Gene: MEGF10 (multiple EGF like domains 10; plus strand). Cytogenetic location: 5q23.2.
Variant type: single nucleotide variant.
Coding change: c.2911G>T on transcript NM_001256545.2 (MANE Select); coding-DNA position 2911, G replaced by T.
Protein change: p.Gly971Cys; replaces glycine 971 with cysteine.
Molecular consequence: missense variant.
Genome position (GRCh38, 1-based): chr5:127,449,153, G>T. VCF-style: chr5-127449153-G-T. GRCh37 (hg19) VCF-style: chr5-126784845-G-T.
Other names: c.2911G>T, p.Gly971Cys (NM_032446.3); short protein forms G971C.
Identifiers: ClinVar variation 3572554 (VCV003572554.1).

ClinVar aggregate classification (germline): Uncertain significance (1 of 4 stars; one submission).

gnomAD v4.1: 3 of 1,614,110 alleles (0.00019%); highest among the groups gnomAD compares: Non-Finnish European, 0.00025%; no homozygotes.

Submission:

GeneDx
Classification: Uncertain significance. Last evaluated: 2024-07-09. Review status: criteria provided, single submitter. Criteria: GeneDx Variant Classification Process June 2021. Collection method: clinical testing. Allele origin: germline. Affected: yes.
Comment: Not observed at significant frequency in large population cohorts (gnomAD); In silico analysis indicates that this missense variant does not alter protein structure/function; Has not been previously published as pathogenic or benign to our knowledge